The following is an entry in ClinVar:

ClinVar aggregate classification (germline): Conflicting classifications of pathogenicity. Review status: criteria provided, conflicting classifications (1 of 4 stars). 2 submissions from 2 submitters: Uncertain significance (1); Likely benign (1). Last evaluated 2024-12-02.

Conditions:
Inborn genetic diseases. Identifiers: MedGen C0950123, MeSH D030342.
Cerebral cavernous malformation (CCM). Also called: Cavernous Hemangioma of Brain; Cerebral cavernous malformations; CAVERNOUS ANGIOMA, FAMILIAL; CAVERNOUS ANGIOMATOUS MALFORMATIONS; CEREBRAL CAPILLARY MALFORMATIONS; Cerebral cavernous hemangioma (type). Identifiers: Orphanet 221061, MedGen C2919945, MONDO:0000820, OMIM 116860, HP:0033522.

Allele frequency attached by ClinVar (database versions not stated): gnomAD 0.00004; ExAC 0.00005; gnomAD exomes 0.00005; TOPMed 0.00008; 1000 Genomes Project 0.00020; 1000 Genomes Project 30x 0.00031.
gnomAD v4.1: 79 of 1,606,496 alleles (0.0049%); highest among the groups gnomAD compares: Middle Eastern, 0.033%; no homozygotes.

Submissions (2):

Labcorp Genetics (formerly Invitae), Labcorp
Classification: Uncertain significance for Cerebral cavernous malformation. Last evaluated: 2024-12-02. Review status: criteria provided, single submitter. Criteria: Invitae Variant Classification Sherloc (09022015). Collection method: clinical testing. Allele origin: germline.
Comment: This sequence change replaces proline, which is neutral and non-polar, with serine, which is neutral and polar, at codon 98 of the KRIT1 protein (p.Pro98Ser). This variant is present in population databases (rs199905288, gnomAD 0.009%). This variant has not been reported in the literature in individuals affected with KRIT1-related conditions. ClinVar contains an entry for this variant (Variation ID: 2592990). Invitae Evidence Modeling of protein sequence and biophysical properties (such as structural, functional, and spatial information, amino acid conservation, physicochemical variation, residue mobility, and thermodynamic stability) indicates that this missense variant is not expected to disrupt KRIT1 protein function with a negative predictive value of 80%. In summary, the available evidence is currently insufficient to determine the role of this variant in disease. Therefore, it has been classified as a Variant of Uncertain Significance.

Ambry Genetics
Classification: Likely benign for Inborn genetic diseases. Last evaluated: 2023-07-25. Review status: criteria provided, single submitter. Criteria: Ambry Variant Classification Scheme 2023. Collection method: clinical testing. Allele origin: germline.

NM_194454.3(KRIT1):c.292C>T (p.Pro98Ser)

Gene: KRIT1 (KRIT1 ankyrin repeat containing; minus strand). Cytogenetic location: 7q21.2.
Variant type: single nucleotide variant.
Coding change: c.292C>T on transcript NM_194454.3 (MANE Select); coding-DNA position 292, C replaced by T.
Protein change: p.Pro98Ser; replaces proline 98 with serine.
Molecular consequence: missense variant. On other transcripts: 5 prime UTR variant (1).
Genome position (GRCh38, 1-based): chr7:92,237,730, G>A on the plus strand (C>T on the coding strand, the complement: KRIT1 is on the minus strand). VCF-style: chr7-92237730-G-A. GRCh37 (hg19) VCF-style: chr7-91867044-G-A.
Other names: c.292C>T, p.Pro98Ser (NM_001350669.1, NM_001350670.1, NM_001350672.1 and 29 more transcripts); c.-292C>T (NM_001350671.1); short protein forms P98S.
Identifiers: ClinVar variation 2592990 (VCV002592990.4), dbSNP rs199905288, ClinGen allele CA4339421.
Genomic context (GRCh38, chr7:92,237,730, plus strand): 5'-TGACAACTGATGGAACAATAAATAATGATGCTTCTCTGCCCATCTTCTCTCCATCCAGAG[G>A]AAATTTTTTCATTAGTACAACTCGTTTTCCTAATCATTTTTAAAAAGTTAGCAAAACAAA-3'
Protein context (NP_919436.1, residues 88-108): GKRVVLMKKF[Pro98Ser]LDGEKMGREA